The following is an entry in ClinVar:

NM_006907.4(PYCR1):c.386G>T (p.Arg129Leu)

Gene: PYCR1 (pyrroline-5-carboxylate reductase 1; minus strand). Cytogenetic location: 17q25.3.
Variant type: single nucleotide variant.
Coding change: c.386G>T on transcript NM_006907.4 (MANE Select); coding-DNA position 386, G replaced by T.
Protein change: p.Arg129Leu; replaces arginine 129 with leucine.
Molecular consequence: missense variant.
Genome position (GRCh38, 1-based): chr17:81,935,080, C>A on the plus strand (G>T on the coding strand, the complement: PYCR1 is on the minus strand). VCF-style: chr17-81935080-C-A. GRCh37 (hg19) VCF-style: chr17-79892956-C-A.
Other names: c.386G>T, p.Arg129Leu (NM_001282279.2, NM_001282280.2, NM_001330523.2 and 1 more transcripts); c.467G>T, p.Arg156Leu (NM_001282281.2); short protein forms R129L, R156L.
Identifiers: ClinVar variation 2836430 (VCV002836430.3), dbSNP rs374650655, ClinGen allele CA401538915.

ClinVar aggregate classification (germline): Uncertain significance (1 of 4 stars; one submission).

Submission:

Labcorp Genetics (formerly Invitae), Labcorp
Classification: Uncertain significance. Last evaluated: 2023-02-24. Review status: criteria provided, single submitter. Criteria: Invitae Variant Classification Sherloc (09022015). Collection method: clinical testing. Allele origin: germline.
Comment: This sequence change replaces arginine, which is basic and polar, with leucine, which is neutral and non-polar, at codon 129 of the PYCR1 protein (p.Arg129Leu). In summary, the available evidence is currently insufficient to determine the role of this variant in disease. Therefore, it has been classified as a Variant of Uncertain Significance. Advanced modeling of protein sequence and biophysical properties (such as structural, functional, and spatial information, amino acid conservation, physicochemical variation, residue mobility, and thermodynamic stability) performed at Invitae indicates that this missense variant is not expected to disrupt PYCR1 protein function. This variant has not been reported in the literature in individuals affected with PYCR1-related conditions. This variant is not present in population databases (gnomAD no frequency).